The following is an entry in ClinVar:

ClinVar aggregate classification (germline): Uncertain significance (1 of 4 stars; one submission).

gnomAD v4.1: 2 of 1,613,650 alleles (0.00012%); highest among the groups gnomAD compares: Non-Finnish European, 0.00017%; no homozygotes.

Submission:

Labcorp Genetics (formerly Invitae), Labcorp
Classification: Uncertain significance. Last evaluated: 2024-08-19. Review status: criteria provided, single submitter. Criteria: Invitae Variant Classification Sherloc (09022015). Collection method: clinical testing. Allele origin: germline.
Comment: This sequence change replaces leucine, which is neutral and non-polar, with proline, which is neutral and non-polar, at codon 2390 of the ATR protein (p.Leu2390Pro). This variant is not present in population databases (gnomAD no frequency). This variant has not been reported in the literature in individuals affected with ATR-related conditions. An algorithm developed to predict the effect of missense changes on protein structure and function (PolyPhen-2) suggests that this variant is likely to be disruptive. In summary, the available evidence is currently insufficient to determine the role of this variant in disease. Therefore, it has been classified as a Variant of Uncertain Significance.

NM_001184.4(ATR):c.7169T>C (p.Leu2390Pro)

Gene: ATR (ATR checkpoint kinase; minus strand). Cytogenetic location: 3q23.
Variant type: single nucleotide variant.
Coding change: c.7169T>C on transcript NM_001184.4 (MANE Select); coding-DNA position 7169, T replaced by C.
Protein change: p.Leu2390Pro; replaces leucine 2390 with proline.
Molecular consequence: missense variant.
Genome position (GRCh38, 1-based): chr3:142,461,963, A>G on the plus strand (T>C on the coding strand, the complement: ATR is on the minus strand). VCF-style: chr3-142461963-A-G. GRCh37 (hg19) VCF-style: chr3-142180805-A-G.
Other names: c.6977T>C, p.Leu2326Pro (NM_001354579.2); short protein forms L2326P, L2390P.
Identifiers: ClinVar variation 3708659 (VCV003708659.2).